The following is an entry in ClinVar:

NM_000090.4(COL3A1):c.2285G>A (p.Gly762Asp)

Gene: COL3A1 (collagen type III alpha 1 chain; plus strand). Cytogenetic location: 2q32.2.
Variant type: single nucleotide variant.
Coding change: c.2285G>A on transcript NM_000090.4 (MANE Select); coding-DNA position 2285, G replaced by A.
Protein change: p.Gly762Asp; replaces glycine 762 with aspartic acid.
Molecular consequence: missense variant.
Genome position (GRCh38, 1-based): chr2:189,001,398, G>A. VCF-style: chr2-189001398-G-A. GRCh37 (hg19) VCF-style: chr2-189866124-G-A.
Identifiers: ClinVar variation 101377 (VCV000101377.7), dbSNP rs587779541, ClinGen allele CA005290.

ClinVar aggregate classification (germline): Pathogenic. Review status: criteria provided, multiple submitters, no conflicts (2 of 4 stars). 4 submissions from 4 submitters: Pathogenic (3). 1 of the submissions does not count toward it. Last evaluated 2025-09-17.

Conditions:
Familial thoracic aortic aneurysm and aortic dissection (TAAD). Also called: Thoracic aortic aneurysms and dissections. Identifiers: Orphanet 91387, MedGen C4707243, MONDO:0019625.
Ehlers-Danlos syndrome, type 4 (EDSVASC). Also called: Ehlers-Danlos syndrome vascular type; Ehlers Danlos syndrome, ecchymotic type; Ehlers Danlos syndrome, arterial type; Ehlers Danlos syndrome, Sack-Barabas type; Ehlers-Danlos Syndrome Type IV. Identifiers: Orphanet 286, MedGen C0268338, MONDO:0017314, OMIM 130050.

Submissions (4):

Labcorp Genetics (formerly Invitae), Labcorp
Classification: Pathogenic for Ehlers-Danlos syndrome, type 4. Last evaluated: 2025-09-17. Review status: criteria provided, single submitter. Criteria: Invitae Variant Classification Sherloc (09022015). Collection method: clinical testing. Allele origin: germline.
Comment: This sequence change replaces glycine, which is neutral and non-polar, with aspartic acid, which is acidic and polar, at codon 762 of the COL3A1 protein (p.Gly762Asp). This variant is not present in population databases (gnomAD no frequency). This missense change has been observed in individual(s) with clinical features of Ehlers-Danlos syndrome (PMID: 22492385, 30474650). ClinVar contains an entry for this variant (Variation ID: 101377). Experimental studies and prediction algorithms are not available or were not evaluated, and the functional significance of this variant is currently unknown. This variant disrupts the triple helix domain of COL3A1. Glycine residues within the Gly-Xaa-Yaa repeats of the triple helix domain are required for the structure and stability of fibrillar collagens (PMID: 7695699, 8218237, 19344236). In COL3A1, variants that affect these glycine residues are significantly enriched in individuals with disease (PMID: 24922459, 25758994) compared to the general population (ExAC). This variant disrupts the p.Gly762 amino acid residue in COL3A1. Other variant(s) that disrupt this residue have been determined to be pathogenic (PMID: 24922459, 25758994). This suggests that this residue is clinically significant, and that variants that disrupt this residue are likely to be disease-causing. For these reasons, this variant has been classified as Pathogenic.

GeneDx
Classification: Pathogenic. Last evaluated: 2024-02-20. Review status: criteria provided, single submitter. Criteria: GeneDx Variant Classification Process June 2021. Collection method: clinical testing. Allele origin: germline. Affected: yes.
Comment: Reported in association with vascular Ehlers-Danlos syndrome (PMID: 22492385, 24399159); Occurs in the triple helical domain and replaces the glycine in the canonical Gly-X-Y repeat; missense substitution of a canonical glycine residue is expected to disrupt normal protein folding and function, and this is an established mechanism of disease (HGMD); Not observed at significant frequency in large population cohorts (gnomAD); In silico analysis supports that this missense variant has a deleterious effect on protein structure/function; This variant is associated with the following publications: (PMID: 24399159, 30474650, 22492385, 10706896, 9036918)

Ambry Genetics
Classification: Pathogenic for Familial thoracic aortic aneurysm and aortic dissection. Last evaluated: 2023-04-10. Review status: criteria provided, single submitter. Criteria: Ambry Variant Classification Scheme 2023. Collection method: clinical testing. Allele origin: germline.
Comment: The p.G762D pathogenic mutation (also known as c.2285G>A), located in coding exon 33 of the COL3A1 gene, results from a G to A substitution at nucleotide position 2285. The glycine at codon 762 is replaced by aspartic acid, an amino acid with some similar properties. The majority (approximately two-thirds) of COL3A1 mutations identified to date have involved the substitution of another amino acid for glycine within the triple-helical domain (Pepin MG et al. Genet Med. 2014;16(12):881-8; Frank M et al. Eur J Hum Genet. 2015;23(12):1657-64). This particular glycine substitution has been detected in several individuals reported to have vascular Ehlers-Danlos syndrome, including a report of a de novo occurrence (Ferr&eacute; FC et al. BMJ Open. 2012;2:e000705; Morissette R et al. Circ Cardiovasc Genet. 2014;7:80-8; Frank M. Eur J Hum Genet. 2015;23(12):1657-64; Legrand A. Genet Med. 2019 07;21(7):1568-1575). Internal structural analysis indicates that this alteration disrupts the characteristic G-X-Y motif in the COL3A1 protein and inserts a bulky side chain into a sterically-constrained region (Bella J et al. Science. 1994;266:75-81; Hohenester E et al. Proc. Natl. Acad. Sci. U.S.A. 2008;105:18273-7; Ambry internal data). This variant is considered to be rare based on population cohorts in the Genome Aggregation Database (gnomAD). This alteration is predicted to be deleterious by BayesDel in silico analysis. Based on the supporting evidence, this alteration is interpreted as a disease-causing mutation.

Collagen Diagnostic Laboratory, University of Washington
Classification: Pathogenic for Ehlers-Danlos syndrome, type 4. Review status: no assertion criteria provided. Collection method: clinical testing. Allele origin: germline. Affected: yes. Not counted in ClinVar's aggregate classification.

Literature cited by the submitters: PubMed 22492385 (cited by Labcorp Genetics (formerly Invitae), Labcorp and Ambry Genetics); PubMed 30474650 (cited by Labcorp Genetics (formerly Invitae), Labcorp and Ambry Genetics); PubMed 7695699 (cited by Labcorp Genetics (formerly Invitae), Labcorp); PubMed 8218237 (cited by Labcorp Genetics (formerly Invitae), Labcorp); PubMed 19344236 (cited by Labcorp Genetics (formerly Invitae), Labcorp); PubMed 24922459 (cited by Labcorp Genetics (formerly Invitae), Labcorp and Ambry Genetics); PubMed 25758994 (cited by Labcorp Genetics (formerly Invitae), Labcorp and Ambry Genetics); PubMed 24399159 (cited by Ambry Genetics).